The following is an entry in ClinVar:

ClinVar aggregate classification (germline): Uncertain significance (1 of 4 stars; one submission).

Conditions:
Epileptic encephalopathy. Identifiers: MedGen C0543888, HP:0200134.

Allele frequency attached by ClinVar (database versions not stated): gnomAD exomes below 0.00001; TOPMed 0.00001.
gnomAD v4.1: 1 of 1,612,862 alleles (0.000062%); highest among the groups gnomAD compares: African/African-American, 0.0013%; no homozygotes.

Submission:

Labcorp Genetics (formerly Invitae), Labcorp
Classification: Uncertain significance for Epileptic encephalopathy. Last evaluated: 2023-06-27. Review status: criteria provided, single submitter. Criteria: Invitae Variant Classification Sherloc (09022015). Collection method: clinical testing. Allele origin: germline.
Comment: This variant is not present in population databases (gnomAD no frequency). This sequence change replaces valine, which is neutral and non-polar, with methionine, which is neutral and non-polar, at codon 670 of the FASN protein (p.Val670Met). This variant has not been reported in the literature in individuals affected with FASN-related conditions. An algorithm developed to predict the effect of missense changes on protein structure and function (PolyPhen-2) suggests that this variant is likely to be disruptive. In summary, the available evidence is currently insufficient to determine the role of this variant in disease. Therefore, it has been classified as a Variant of Uncertain Significance.

NM_004104.5(FASN):c.2008G>A (p.Val670Met)

Gene: FASN (fatty acid synthase; minus strand). Cytogenetic location: 17q25.3.
Variant type: single nucleotide variant.
Coding change: c.2008G>A on transcript NM_004104.5 (MANE Select); coding-DNA position 2008, G replaced by A.
Protein change: p.Val670Met; replaces valine 670 with methionine.
Molecular consequence: missense variant.
Genome position (GRCh38, 1-based): chr17:82,089,342, C>T on the plus strand (G>A on the coding strand, the complement: FASN is on the minus strand). VCF-style: chr17-82089342-C-T. GRCh37 (hg19) VCF-style: chr17-80047218-C-T.
Other names: short protein forms V670M.
Identifiers: ClinVar variation 2835007 (VCV002835007.3), dbSNP rs1011236689, ClinGen allele CA295135095.